The following is an entry in ClinVar:

NM_030777.4(SLC2A10):c.26C>T (p.Pro9Leu)

Gene: SLC2A10 (solute carrier family 2 member 10; plus strand). Cytogenetic location: 20q13.12.
Variant type: single nucleotide variant.
Coding change: c.26C>T on transcript NM_030777.4 (MANE Select); coding-DNA position 26, C replaced by T.
Protein change: p.Pro9Leu; replaces proline 9 with leucine.
Molecular consequence: missense variant.
Genome position (GRCh38, 1-based): chr20:46,725,062, C>T. VCF-style: chr20-46725062-C-T. GRCh37 (hg19) VCF-style: chr20-45353701-C-T.
Other names: short protein forms P9L.
Identifiers: ClinVar variation 1794901 (VCV001794901.2), dbSNP rs2515585770, ClinGen allele CA409266196.

ClinVar aggregate classification (germline): Uncertain significance (1 of 4 stars; one submission).

Conditions:
Familial thoracic aortic aneurysm and aortic dissection (TAAD). Also called: Thoracic aortic aneurysms and dissections. Identifiers: Orphanet 91387, MedGen C4707243, MONDO:0019625.

Submission:

Ambry Genetics
Classification: Uncertain significance for Familial thoracic aortic aneurysm and aortic dissection. Last evaluated: 2022-07-17. Review status: criteria provided, single submitter. Criteria: Ambry Variant Classification Scheme 2023. Collection method: clinical testing. Allele origin: germline.
Comment: The p.P9L variant (also known as c.26C>T), located in coding exon 2 of the SLC2A10 gene, results from a C to T substitution at nucleotide position 26. The proline at codon 9 is replaced by leucine, an amino acid with similar properties. This amino acid position is conserved. In addition, this alteration is predicted to be tolerated by in silico analysis. Since supporting evidence is limited at this time, the clinical significance of this alteration remains unclear.